The following is an entry in ClinVar:

ClinVar aggregate classification (germline): Uncertain significance (1 of 4 stars; one submission).

Allele frequency attached by ClinVar (database versions not stated): TOPMed below 0.00001; gnomAD 0.00001; gnomAD exomes 0.00001.
gnomAD v4.1: 8 of 1,606,702 alleles (0.0005%); highest among the groups gnomAD compares: Admixed American, 0.0017%; no homozygotes.

Submission:

GeneDx
Classification: Uncertain significance. Last evaluated: 2022-11-10. Review status: criteria provided, single submitter. Criteria: GeneDx Variant Classification Process June 2021. Collection method: clinical testing. Allele origin: germline. Affected: yes.
Comment: Not observed at significant frequency in large population cohorts (gnomAD); In silico analysis supports that this missense variant has a deleterious effect on protein structure/function; Has not been previously published as pathogenic or benign to our knowledge

NM_001145809.2(MYH14):c.2204G>A (p.Arg735His)

Gene: MYH14 (myosin heavy chain 14; plus strand). Cytogenetic location: 19q13.33.
Variant type: single nucleotide variant.
Coding change: c.2204G>A on transcript NM_001145809.2 (MANE Select); coding-DNA position 2204, G replaced by A.
Protein change: p.Arg735His; replaces arginine 735 with histidine.
Molecular consequence: missense variant.
Genome position (GRCh38, 1-based): chr19:50,257,458, G>A. VCF-style: chr19-50257458-G-A. GRCh37 (hg19) VCF-style: chr19-50760715-G-A.
Other names: c.2105G>A, p.Arg702His (NM_001077186.2); c.2081G>A, p.Arg694His (NM_024729.4); short protein forms R694H, R702H, R735H.
Identifiers: ClinVar variation 2502099 (VCV002502099.1), dbSNP rs1284284436, ClinGen allele CA406944718.
Genomic context (GRCh38, chr19:50,257,458, plus strand): 5'-ACAAGGAGTCCCTGAGCCGCCTCATGGCCACACTCAGCAACACCAACCCCAGTTTTGTCC[G>A]CTGCATTGTCCCCAACCACGAGAAGAGGGTGAGTGACTCAGCCTGGGGAGGAAGGGGTGG-3'
Protein context (NP_001139281.1, residues 725-745): TLSNTNPSFV[Arg735His]CIVPNHEKRA